The following is an entry in ClinVar:

NM_000203.5(IDUA):c.76del (p.Ala26fs)

Genes: IDUA (alpha-L-iduronidase; plus strand), SLC26A1 (solute carrier family 26 member 1; minus strand). Cytogenetic location: 4p16.3.
Variant type: Deletion.
Coding change: c.76del on transcript NM_000203.5 (MANE Select); coding-DNA position 76, one base deleted (G; older notation c.76delG).
Protein change: p.Ala26fs; shifts the reading frame from alanine 26.
Molecular consequence: frameshift variant. On other transcripts: non-coding transcript variant (1), intron variant (1).
Genome position (GRCh38, 1-based): chr4:987,160, G deleted; the last of 2 consecutive G bases (chr4:987,159-987,160); deleting either gives the same sequence. VCF-style (leftmost placement, unchanged base first): chr4-987158-CG-C. GRCh37 (hg19) VCF-style: chr4-980946-CG-C.
Other names: c.576+3969del (NM_134425.4); short protein forms A26fs.
Identifiers: ClinVar variation 5013177 (VCV005013177.1).

ClinVar aggregate classification (germline): Pathogenic (1 of 4 stars; one submission).

Conditions:
Mucopolysaccharidosis type 1. Also called: IDUA deficiency; MPS I; Mucopolysaccharidosis Type I. Identifiers: Orphanet 579, MedGen C0023786, MONDO:0001586.

Submission:

Myriad Genetics, Inc.
Classification: Pathogenic for Mucopolysaccharidosis type 1. Last evaluated: 2024-06-14. Review status: criteria provided, single submitter. Criteria: Myriad Autosomal Dominant, Autosomal Recessive and X-Linked Classification Criteria (2023). Collection method: clinical testing. Allele origin: unknown.
Comment: NM_000203.3(IDUA):c.76delG(A26Pfs*82) is expected to be pathogenic in the context of mucopolysaccharidosis type I. This variant is predicted to lead to an abnormal or absent protein product due to the creation of a premature termination codon in IDUA, a gene where loss-of-function variants are known to be pathogenic. Please note: this variant was assessed in the context of healthy population screening.